The following is an entry in ClinVar:

NM_002392.6(MDM2):c.1232A>G (p.Tyr411Cys)

Gene: MDM2 (MDM2 proto-oncogene; plus strand). Cytogenetic location: 12q15.
Variant type: single nucleotide variant.
Coding change: c.1232A>G on transcript NM_002392.6 (MANE Select); coding-DNA position 1232, A replaced by G.
Protein change: p.Tyr411Cys; replaces tyrosine 411 with cysteine.
Molecular consequence: missense variant.
Genome position (GRCh38, 1-based): chr12:68,839,587, A>G. VCF-style: chr12-68839587-A-G. GRCh37 (hg19) VCF-style: chr12-69233367-A-G.
Other names: c.1073A>G, p.Tyr358Cys (NM_001145337.3); c.1067A>G, p.Tyr356Cys (NM_001145339.2); c.626A>G, p.Tyr209Cys (NM_001145340.3); c.704A>G, p.Tyr235Cys (NM_001278462.2); c.1214A>G, p.Tyr405Cys (NM_001367990.1); c.1232A>G (NM_002392.3); short protein forms Y209C, Y235C, Y356C, Y358C, Y405C, Y411C.
Identifiers: ClinVar variation 1019954 (VCV001019954.8), dbSNP rs367597251, ClinGen allele CA6678878.

ClinVar aggregate classification (germline): Uncertain significance. Review status: criteria provided, multiple submitters, no conflicts (2 of 4 stars). 2 submissions from 2 submitters: Uncertain significance (2). Last evaluated 2025-06-04.

Conditions:
Accelerated tumor formation, susceptibility to (ACTFS). Identifiers: MedGen C3280690, OMIM 614401, MONDO:0013733.

Allele frequency attached by ClinVar (database versions not stated): TOPMed 0.00058; 1000 Genomes Project 30x 0.00031; gnomAD exomes 0.00015 and 0.00006; ESP Exome Variant Server 0.00050; gnomAD 0.00052 and 0.00048; ExAC 0.00017.
gnomAD v4.1: 157 of 1,613,982 alleles (0.0097%); highest among the groups gnomAD compares: African/African-American, 0.19%; no homozygotes.

Submissions (2):

Labcorp Genetics (formerly Invitae), Labcorp
Classification: Uncertain significance for Accelerated tumor formation, susceptibility to. Last evaluated: 2025-06-04. Review status: criteria provided, single submitter. Criteria: Invitae Variant Classification Sherloc (09022015). Collection method: clinical testing. Allele origin: germline.
Comment: This sequence change replaces tyrosine, which is neutral and polar, with cysteine, which is neutral and slightly polar, at codon 411 of the MDM2 protein (p.Tyr411Cys). This variant is present in population databases (rs367597251, gnomAD 0.2%), and has an allele count higher than expected for a pathogenic variant. This variant has not been reported in the literature in individuals affected with MDM2-related conditions. ClinVar contains an entry for this variant (Variation ID: 1019954). An algorithm developed to predict the effect of missense changes on protein structure and function outputs the following: PolyPhen-2: "Benign". The cysteine amino acid residue is found in multiple mammalian species, which suggests that this missense change does not adversely affect protein function. In summary, the available evidence is currently insufficient to determine the role of this variant in disease. Therefore, it has been classified as a Variant of Uncertain Significance.

Ambry Genetics
Classification: Uncertain significance. Last evaluated: 2022-11-08. Review status: criteria provided, single submitter. Criteria: Ambry Variant Classification Scheme 2023. Collection method: clinical testing. Allele origin: germline.